The following is an entry in ClinVar:

NM_001378615.1(CC2D2A):c.3810T>A (p.Thr1270=)

Genes: CC2D2A (coiled-coil and C2 domain containing 2A; plus strand), FBXL5 (F-box and leucine rich repeat protein 5; minus strand). Cytogenetic location: 4p15.32.
Variant type: single nucleotide variant.
Coding change: c.3810T>A on transcript NM_001378615.1 (MANE Select); coding-DNA position 3810, T replaced by A.
Protein change: p.Thr1270=; no amino-acid change (threonine 1270 retained).
Molecular consequence: synonymous variant.
Genome position (GRCh38, 1-based): chr4:15,580,006, T>A. VCF-style: chr4-15580006-T-A. GRCh37 (hg19) VCF-style: chr4-15581629-T-A.
Other names: c.3810T>A, p.Thr1270= (NM_001080522.2); c.3663T>A, p.Thr1221= (NM_001378617.1).
Identifiers: ClinVar variation 2931200 (VCV002931200.4), dbSNP rs763413390, ClinGen allele CA2864239.

ClinVar aggregate classification (germline): Likely benign. Review status: criteria provided, single submitter (1 of 4 stars). 2 submissions from 2 submitters: Likely benign (1). 1 of the submissions does not count toward it. Last evaluated 2023-11-10.

Conditions:
Joubert syndrome. Also called: JOUBERT-BOLTSHAUSER SYNDROME; Familial aplasia of the vermis. Identifiers: Orphanet 475, MedGen C5979921, MONDO:0018772.
Meckel-Gruber syndrome. Also called: DYSENCEPHALIA SPLANCHNOCYSTICA; GRUBER SYNDROME; Dysencephalia splachnocystica. Identifiers: Orphanet 564, MedGen C0265215, MONDO:0018921.
CC2D2A-related disorder. Also called: CC2D2A-related condition; CC2D2A-related disorders. Identifiers: MedGen CN239313.

Allele frequency attached by ClinVar (database versions not stated): ExAC 0.00001; TOPMed 0.00001.
gnomAD v4.1: 1 of 1,613,814 alleles (0.000062%); highest among the groups gnomAD compares: African/African-American, 0.0013%; no homozygotes.

Submissions (2):

Labcorp Genetics (formerly Invitae), Labcorp
Classification: Likely benign for Joubert syndrome; Meckel-Gruber syndrome. Last evaluated: 2023-11-10. Review status: criteria provided, single submitter. Criteria: Invitae Variant Classification Sherloc (09022015). Collection method: clinical testing. Allele origin: germline.

PreventionGenetics, part of Exact Sciences
Classification: Likely benign for CC2D2A-related condition. Last evaluated: 2024-07-29. Review status: no assertion criteria provided. Collection method: clinical testing. Allele origin: germline. Not counted in ClinVar's aggregate classification.
Comment: This variant is classified as likely benign based on ACMG/AMP sequence variant interpretation guidelines (Richards et al. 2015 PMID: 25741868, with internal and published modifications).